The following is an entry in ClinVar:

NM_001851.6(COL9A1):c.344C>T (p.Thr115Met)

Gene: COL9A1 (collagen type IX alpha 1 chain; minus strand). Cytogenetic location: 6q13.
Variant type: single nucleotide variant.
Coding change: c.344C>T on transcript NM_001851.6 (MANE Select); coding-DNA position 344, C replaced by T.
Protein change: p.Thr115Met; replaces threonine 115 with methionine.
Molecular consequence: missense variant.
Genome position (GRCh38, 1-based): chr6:70,294,519, G>A on the plus strand (C>T on the coding strand, the complement: COL9A1 is on the minus strand). VCF-style: chr6-70294519-G-A. GRCh37 (hg19) VCF-style: chr6-71004222-G-A.
Other names: c.344C>T, p.Thr115Met (NM_001377291.1); short protein forms T115M.
Identifiers: ClinVar variation 357814 (VCV000357814.16), dbSNP rs200018557, ClinGen allele CA3882839.
Genomic context (GRCh38, chr6:70,294,519, plus strand): 5'-TCCTGAATCTGCCAAATGTTCCAGTTCTTTTTGAGAGTGCTTCCAGTCATTCGAAACGTC[G>A]TCAAGAAGGAGTATTCTTCAGGCAGTCCACTGGGATATAAATTCCTGAGTAAAATTTTTA-3'
Protein context (NP_001842.3, residues 105-125): SGLPEEYSFL[Thr115Met]TFRMTGSTLK

ClinVar aggregate classification (germline): Conflicting classifications of pathogenicity. Review status: criteria provided, conflicting classifications (1 of 4 stars). 5 submissions from 5 submitters: Uncertain significance (2); Likely benign (3). Last evaluated 2026-01-08.

Conditions:
COL9A1-related disorder. Also called: COL9A1-related condition; COL9A1-related disorders.

Allele frequency attached by ClinVar (database versions not stated): gnomAD 0.00009 and 0.00013; gnomAD exomes 0.00010 and 0.00031; 1000 Genomes Project 30x 0.00031; ExAC 0.00034; TOPMed 0.00034; 1000 Genomes Project 0.00040.
gnomAD v4.1: 182 of 1,614,012 alleles (0.011%); highest among the groups gnomAD compares: East Asian, 0.27%; no homozygotes.

Submissions (5):

Labcorp Genetics (formerly Invitae), Labcorp
Classification: Likely benign. Last evaluated: 2026-01-08. Review status: criteria provided, single submitter. Criteria: Invitae Variant Classification Sherloc (09022015). Collection method: clinical testing. Allele origin: germline.

PreventionGenetics, part of Exact Sciences
Classification: Likely benign for COL9A1-related condition. Last evaluated: 2026-01-07. Review status: criteria provided, single submitter. Criteria: ACMG Guidelines, 2015. Collection method: clinical testing. Allele origin: germline.
Comment: This variant is classified as likely benign based on ACMG/AMP sequence variant interpretation guidelines (Richards et al. 2015 PMID: 25741868, with internal and published modifications).

Greenwood Genetic Center Diagnostic Laboratories, Greenwood Genetic Center
Classification: Uncertain significance. Last evaluated: 2025-11-20. Review status: criteria provided, single submitter. Criteria: ACMG Guidelines, 2015. Collection method: clinical testing. Allele origin: germline. Affected: yes.
Comment: BS1

Blueprint Genetics
Classification: Likely benign. Last evaluated: 2024-07-24. Review status: criteria provided, single submitter. Criteria: ACMG Guidelines, 2015. Collection method: clinical testing. Allele origin: germline.

GeneDx
Classification: Uncertain significance. Last evaluated: 2023-09-05. Review status: criteria provided, single submitter. Criteria: GeneDx Variant Classification Process June 2021. Collection method: clinical testing. Allele origin: germline. Affected: yes.
Comment: In silico analysis supports that this missense variant has a deleterious effect on protein structure/function; Has not been previously published as pathogenic or benign to our knowledge